The following is an entry in ClinVar:

NM_145200.5(CABP4):c.701C>T (p.Ala234Val)

Gene: CABP4 (calcium binding protein 4; plus strand). Cytogenetic location: 11q13.2.
Variant type: single nucleotide variant.
Coding change: c.701C>T on transcript NM_145200.5 (MANE Select); coding-DNA position 701, C replaced by T.
Protein change: p.Ala234Val; replaces alanine 234 with valine.
Molecular consequence: missense variant. On other transcripts: non-coding transcript variant (1).
Genome position (GRCh38, 1-based): chr11:67,458,420, C>T. VCF-style: chr11-67458420-C-T. GRCh37 (hg19) VCF-style: chr11-67225891-C-T.
Other names: c.386C>T, p.Ala129Val (NM_001300895.3, NM_001300896.3, NM_001379183.1); c.701C>T (NM_145200.3); short protein forms A234V, A129V.
Identifiers: ClinVar variation 1440441 (VCV001440441.5), dbSNP rs750921479, ClinGen allele CA6140325.
Genomic context (GRCh38, chr11:67,458,420, plus strand): 5'-GGGGACCTTAGTTTGACAGGGACAGGGATGGACGAATTACGGTGGCGGAGCTGCGGGAGG[C>T]GGTACCGGCTCTGCTCGGGGAGCCGCTGGCGGGTCCTGAGCTGGACGAGATGCTCCGAGA-3'
Protein context (NP_660201.1, residues 224-244): GRITVAELRE[Ala234Val]VPALLGEPLA

ClinVar aggregate classification (germline): Uncertain significance. Review status: criteria provided, multiple submitters, no conflicts (2 of 4 stars). 3 submissions from 3 submitters: Uncertain significance (3). Last evaluated 2024-11-10.

Conditions:
Inborn genetic diseases. Identifiers: MedGen C0950123, MeSH D030342.

Allele frequency attached by ClinVar (database versions not stated): ExAC 0.00001; gnomAD 0.00001; gnomAD exomes 0.00001.
gnomAD v4.1: 23 of 1,613,516 alleles (0.0014%); highest among the groups gnomAD compares: Non-Finnish European, 0.0019%; no homozygotes.

Submissions (3):

Ambry Genetics
Classification: Uncertain significance for Inborn genetic diseases. Last evaluated: 2024-11-10. Review status: criteria provided, single submitter. Criteria: Ambry Variant Classification Scheme 2023. Collection method: clinical testing. Allele origin: germline.

Labcorp Genetics (formerly Invitae), Labcorp
Classification: Uncertain significance. Last evaluated: 2022-10-25. Review status: criteria provided, single submitter. Criteria: Invitae Variant Classification Sherloc (09022015). Collection method: clinical testing. Allele origin: germline.
Comment: This sequence change replaces alanine, which is neutral and non-polar, with valine, which is neutral and non-polar, at codon 234 of the CABP4 protein (p.Ala234Val). This variant is present in population databases (rs750921479, gnomAD 0.002%). This variant has not been reported in the literature in individuals affected with CABP4-related conditions. ClinVar contains an entry for this variant (Variation ID: 1440441). Advanced modeling of protein sequence and biophysical properties (such as structural, functional, and spatial information, amino acid conservation, physicochemical variation, residue mobility, and thermodynamic stability) performed at Invitae indicates that this missense variant is not expected to disrupt CABP4 protein function. In summary, the available evidence is currently insufficient to determine the role of this variant in disease. Therefore, it has been classified as a Variant of Uncertain Significance.

Blueprint Genetics
Classification: Uncertain significance. Last evaluated: 2022-03-09. Review status: criteria provided, single submitter. Criteria: ACMG Guidelines, 2015. Collection method: clinical testing. Allele origin: germline.